The following is an entry in ClinVar:

NM_000146.4(FTL):c.263A>G (p.Asp88Gly)

Gene: FTL (ferritin light chain; plus strand). Cytogenetic location: 19q13.33.
Variant type: single nucleotide variant.
Coding change: c.263A>G on transcript NM_000146.4 (MANE Select); coding-DNA position 263, A replaced by G.
Protein change: p.Asp88Gly; replaces aspartic acid 88 with glycine.
Molecular consequence: missense variant.
Genome position (GRCh38, 1-based): chr19:48,966,294, A>G. VCF-style: chr19-48966294-A-G. GRCh37 (hg19) VCF-style: chr19-49469551-A-G.
Other names: short protein forms D88G.
Identifiers: ClinVar variation 1513118 (VCV001513118.6), dbSNP rs2122433970, ClinGen allele CA406756651.

ClinVar aggregate classification (germline): Uncertain significance (1 of 4 stars; one submission).

Conditions:
Hereditary hyperferritinemia with congenital cataracts. Also called: Hereditary hyperferritinemia cataract syndrome; Bonneau-Beaumont syndrome; HYPERFERRITINEMIA WITH OR WITHOUT CATARACT. Identifiers: Orphanet 163, MedGen C1833213, MONDO:0010952, OMIM 600886.
Neuroferritinopathy (NBIA3). Also called: NEURODEGENERATION WITH BRAIN IRON ACCUMULATION 3; BASAL GANGLIA DISEASE, ADULT-ONSET. Identifiers: Orphanet 157846, MedGen C1853578, MONDO:0011638, OMIM 606159.

Submission:

Labcorp Genetics (formerly Invitae), Labcorp
Classification: Uncertain significance for Neuroferritinopathy; Hereditary hyperferritinemia with congenital cataracts. Last evaluated: 2020-11-16. Review status: criteria provided, single submitter. Criteria: Invitae Variant Classification Sherloc (09022015). Collection method: clinical testing. Allele origin: germline.
Comment: This variant is not present in population databases (ExAC no frequency). This sequence change replaces aspartic acid with glycine at codon 88 of the FTL protein (p.Asp88Gly). The aspartic acid residue is highly conserved and there is a moderate physicochemical difference between aspartic acid and glycine. This variant has not been reported in the literature in individuals with FTL-related conditions. Algorithms developed to predict the effect of missense changes on protein structure and function (SIFT, PolyPhen-2, Align-GVGD) all suggest that this variant is likely to be tolerated, but these predictions have not been confirmed by published functional studies and their clinical significance is uncertain. Algorithms developed to predict the effect of sequence changes on RNA splicing suggest that this variant may create or strengthen a splice site, but this prediction has not been confirmed by published transcriptional studies. In summary, the available evidence is currently insufficient to determine the role of this variant in disease. Therefore, it has been classified as a Variant of Uncertain Significance.